The following is an entry in ClinVar:

ClinVar aggregate classification (germline): Likely benign. Review status: criteria provided, multiple submitters, no conflicts (2 of 4 stars). 6 submissions from 6 submitters: Likely benign (6). Last evaluated 2025-06-02.

Conditions:
Hereditary breast ovarian cancer syndrome. Also called: Breast and ovarian cancer; Hereditary breast and/or ovarian cancer syndrome; Hereditary breast and ovarian cancer syndrome (HBOC); Hereditary breast and ovarian cancer; BRCA1- and BRCA2-Associated Hereditary Breast and Ovarian Cancer; Hereditary breast and ovarian cancer syndrome. Identifiers: Orphanet 145, MedGen C0677776, MeSH D061325, MONDO:0003582. Disease mechanism: loss of function.
Hereditary cancer-predisposing syndrome. Also called: Hereditary neoplastic syndrome; Neoplastic Syndromes, Hereditary; Hereditary Cancer Syndrome; Tumor predisposition. Identifiers: Orphanet 140162, MedGen C0027672, MeSH D009386, MONDO:0015356.

Allele frequency attached by ClinVar (database versions not stated): gnomAD exomes below 0.00001.
gnomAD v4.1: 2 of 1,614,228 alleles (0.00012%); highest among the groups gnomAD compares: Middle Eastern, 0.033%; no homozygotes.

Submissions (6):

Quest Diagnostics Nichols Institute San Juan Capistrano
Classification: Likely benign. Last evaluated: 2025-06-02. Review status: criteria provided, single submitter. Criteria: Quest Diagnostics criteria. Collection method: clinical testing. Allele origin: unknown.

Labcorp Genetics (formerly Invitae), Labcorp
Classification: Likely benign for Hereditary breast ovarian cancer syndrome. Last evaluated: 2024-09-04. Review status: criteria provided, single submitter. Criteria: Invitae Variant Classification Sherloc (09022015). Collection method: clinical testing. Allele origin: germline.

CeGaT Center for Human Genetics Tuebingen
Classification: Likely benign. Last evaluated: 2024-04-01. Review status: criteria provided, single submitter. Criteria: CeGaT Center For Human Genetics Tuebingen Variant Classification Criteria Version 2. Collection method: clinical testing. Allele origin: germline. Affected: yes. Observed: 1 variant allele.
Comment: BRCA2: PM2:Supporting, BP4, BP7

Blueprint Genetics
Classification: Likely benign. Last evaluated: 2024-03-10. Review status: criteria provided, single submitter. Criteria: ACMG Guidelines, 2015. Collection method: clinical testing. Allele origin: germline.

Color Diagnostics, LLC DBA Color Health
Classification: Likely benign for Hereditary cancer-predisposing syndrome. Last evaluated: 2018-11-05. Review status: criteria provided, single submitter. Criteria: ACMG Guidelines, 2015. Collection method: clinical testing. Allele origin: germline.

Ambry Genetics
Classification: Likely benign for Hereditary cancer-predisposing syndrome. Last evaluated: 2016-10-12. Review status: criteria provided, single submitter. Criteria: Ambry Variant Classification Scheme 2023. Collection method: clinical testing. Allele origin: germline.

NM_000059.4(BRCA2):c.9786A>G (p.Gln3262=)

Gene: BRCA2 (BRCA2 DNA repair associated; plus strand). Cytogenetic location: 13q13.1.
Variant type: single nucleotide variant.
Coding change: c.9786A>G on transcript NM_000059.4 (MANE Select); coding-DNA position 9786, A replaced by G.
Protein change: p.Gln3262=; no amino-acid change (glutamine 3262 retained).
Molecular consequence: synonymous variant.
Genome position (GRCh38, 1-based): chr13:32,398,299, A>G. VCF-style: chr13-32398299-A-G. GRCh37 (hg19) VCF-style: chr13-32972436-A-G.
Identifiers: ClinVar variation 485422 (VCV000485422.40), dbSNP rs1555289959, ClinGen allele CA483440066.